The following is an entry in ClinVar:

ClinVar aggregate classification (germline): Likely pathogenic. Review status: criteria provided, single submitter (1 of 4 stars). 2 submissions from 2 submitters: Likely pathogenic (1). 1 of the submissions does not count toward it. Last evaluated 2025-05-16.

Conditions:
3MC syndrome 1. Also called: MICHELS SYNDROME; CRANIOSYNOSTOSIS WITH LID ANOMALIES; OCULOPALATOSKELETAL SYNDROME. Identifiers: Orphanet 293843, MedGen C0796059, MONDO:0009770, OMIM 257920.

Allele frequency attached by ClinVar (database versions not stated): TOPMed below 0.00001.

Submissions (2):

Dasa
Classification: Likely pathogenic. Last evaluated: 2025-05-16. Review status: criteria provided, single submitter. Criteria: DASA Assertion Criteria. Collection method: clinical testing. Allele origin: germline.
Comment: NM_139125.4(MASP1):c.1997G>A (p.Gly666Glu) is a missense variant that results in the substitution of glycine with glutamic acid. Segregation data support an association with disease in the reported family/families (PMID: 21258343). This variant has been reported in individuals with MASP1-related disorders (PMID: 21258343). Functional evidence supports an impact on the gene or gene product (PMID: 21258343; PMID: 23792966). Also, this variant is rare in population databases. Computational evidence supports a deleterious effect. Based on the currently available evidence, this variant is classified as likely pathogenic.

OMIM
Classification: Pathogenic for 3MC SYNDROME 1. Last evaluated: 2011-03-01. Review status: no assertion criteria provided. Collection method: literature only. Allele origin: germline. Not counted in ClinVar's aggregate classification.

Literature cited by the submitters: PubMed 21258343 (cited by Dasa and OMIM); PubMed 23792966 (cited by Dasa); PubMed 17937425 (cited by OMIM); PubMed 18266249 (cited by OMIM).

NM_139125.4(MASP1):c.1997G>A (p.Gly666Glu)

Gene: MASP1 (MBL associated serine protease 1; minus strand). Cytogenetic location: 3q27.3.
Variant type: single nucleotide variant.
Coding change: c.1997G>A on transcript NM_139125.4 (MANE Select); coding-DNA position 1997, G replaced by A.
Protein change: p.Gly666Glu; replaces glycine 666 with glutamic acid.
Molecular consequence: missense variant. On other transcripts: non-coding transcript variant (1), intron variant (1).
Genome position (GRCh38, 1-based): chr3:187,235,874, C>T on the plus strand (G>A on the coding strand, the complement: MASP1 is on the minus strand). VCF-style: chr3-187235874-C-T. GRCh37 (hg19) VCF-style: chr3-186953662-C-T.
Other names: c.1303+5607G>A (NM_001879.6); short protein forms G666E.
Identifiers: ClinVar variation 30076 (VCV000030076.3), dbSNP rs387906754, ClinGen allele CA210857.